The following is an entry in ClinVar:

ClinVar aggregate classification (germline): Uncertain significance (1 of 4 stars; one submission).

Conditions:
Aicardi-Goutieres syndrome 6 (AGS6). Identifiers: Orphanet 51, MedGen C3539013, MONDO:0014007, OMIM 615010.
Symmetrical dyschromatosis of extremities (DSH). Also called: Dyschromatosis symmetrica hereditaria; DYSCHROMATOSIS SYMMETRICA HEREDITARIA 1; RETICULATE ACROPIGMENTATION OF DOHI; SYMMETRIC DYSCHROMATOSIS OF THE EXTREMITIES. Identifiers: Orphanet 41, MedGen C0406775, MONDO:0007483, OMIM 127400.

Submission:

Labcorp Genetics (formerly Invitae), Labcorp
Classification: Uncertain significance for Aicardi-Goutieres syndrome 6; Symmetrical dyschromatosis of extremities. Last evaluated: 2025-09-15. Review status: criteria provided, single submitter. Criteria: Invitae Variant Classification Sherloc (09022015). Collection method: clinical testing. Allele origin: germline.
Comment: This sequence change replaces aspartic acid, which is acidic and polar, with asparagine, which is neutral and polar, at codon 295 of the ADAR protein (p.Asp295Asn). This variant is not present in population databases (gnomAD no frequency). This variant has not been reported in the literature in individuals affected with ADAR-related conditions. Invitae Evidence Modeling of protein sequence and biophysical properties (such as structural, functional, and spatial information, amino acid conservation, physicochemical variation, residue mobility, and thermodynamic stability) indicates that this missense variant is not expected to disrupt ADAR protein function with a negative predictive value of 80%. In summary, the available evidence is currently insufficient to determine the role of this variant in disease. Therefore, it has been classified as a Variant of Uncertain Significance.

NM_001111.5(ADAR):c.883G>A (p.Asp295Asn)

Gene: ADAR (adenosine deaminase RNA specific; minus strand). Cytogenetic location: 1q21.3.
Variant type: single nucleotide variant.
Coding change: c.883G>A on transcript NM_001111.5 (MANE Select); coding-DNA position 883, G replaced by A.
Protein change: p.Asp295Asn; replaces aspartic acid 295 with asparagine.
Molecular consequence: missense variant. On other transcripts: 5 prime UTR variant (6).
Genome position (GRCh38, 1-based): chr1:154,601,759, C>T on the plus strand (G>A on the coding strand, the complement: ADAR is on the minus strand). VCF-style: chr1-154601759-C-T. GRCh37 (hg19) VCF-style: chr1-154574235-C-T.
Other names: c.883G>A, p.Asp295Asn (NM_015841.4, NM_015840.4); c.-3G>A (NM_001025107.3, NM_001193495.2, NM_001365046.1 and 3 more transcripts); c.910G>A, p.Asp304Asn (NM_001365045.1); short protein forms D295N, D304N.
Identifiers: ClinVar variation 4783224 (VCV004783224.1).